The following is an entry in ClinVar:

ClinVar aggregate classification (germline): Uncertain significance (1 of 4 stars; one submission).

Conditions:
OFD1-related disorder. Also called: OFD1-related condition.

Submission:

PreventionGenetics, part of Exact Sciences
Classification: Uncertain significance for OFD1-related condition. Last evaluated: 2026-01-30. Review status: criteria provided, single submitter. Criteria: ACMG Guidelines, 2015. Collection method: clinical testing. Allele origin: germline.
Comment: The OFD1 c.1706C>G variant is predicted to result in the amino acid substitution p.Ser569Cys. To our knowledge, this variant has not been reported in the literature or in a large population database, indicating this variant is rare. At this time, the clinical significance of this variant is uncertain due to the absence of conclusive functional and genetic evidence.

NM_003611.3(OFD1):c.1706C>G (p.Ser569Cys)

Gene: OFD1 (OFD1 centriole and centriolar satellite protein; plus strand). Cytogenetic location: Xp22.2.
Variant type: single nucleotide variant.
Coding change: c.1706C>G on transcript NM_003611.3 (MANE Select); coding-DNA position 1706, C replaced by G.
Protein change: p.Ser569Cys; replaces serine 569 with cysteine.
Molecular consequence: missense variant.
Genome position (GRCh38, 1-based): chrX:13,760,166, C>G. VCF-style: chrX-13760166-C-G. GRCh37 (hg19) VCF-style: chrX-13778285-C-G.
Other names: c.1586C>G, p.Ser529Cys (NM_001330209.2); c.1286C>G, p.Ser429Cys (NM_001330210.2); short protein forms S429C, S529C, S569C.
Identifiers: ClinVar variation 2628493 (VCV002628493.2), dbSNP rs2518936941, ClinGen allele CA412343646.